The following is an entry in ClinVar:

NM_000302.4(PLOD1):c.475G>C (p.Gly159Arg)

Gene: PLOD1 (procollagen-lysine,2-oxoglutarate 5-dioxygenase 1; plus strand). Cytogenetic location: 1p36.22.
Variant type: single nucleotide variant.
Coding change: c.475G>C on transcript NM_000302.4 (MANE Select); coding-DNA position 475, G replaced by C.
Protein change: p.Gly159Arg; replaces glycine 159 with arginine.
Molecular consequence: missense variant.
Genome position (GRCh38, 1-based): chr1:11,952,631, G>C. VCF-style: chr1-11952631-G-C. GRCh37 (hg19) VCF-style: chr1-12012688-G-C.
Other names: c.616G>C, p.Gly206Arg (NM_001316320.2); short protein forms G206R, G159R.
Identifiers: ClinVar variation 2811916 (VCV002811916.3), dbSNP rs772861343, ClinGen allele CA338428185.

ClinVar aggregate classification (germline): Uncertain significance (1 of 4 stars; one submission).

Conditions:
Ehlers-Danlos syndrome, kyphoscoliotic type 1 (EDSKSCL1). Also called: EHLERS-DANLOS SYNDROME, OCULAR-SCOLIOTIC TYPE; PLOD1-Related Kyphoscoliotic Ehlers-Danlos Syndrome; EHLERS-DANLOS SYNDROME, TYPE VIA; Ehlers-Danlos syndrome, hydroxylysine-deficient. Identifiers: Orphanet 1900, MedGen C0268342, MONDO:0016002, OMIM 225400. Disease mechanism: loss of function.

Submission:

Labcorp Genetics (formerly Invitae), Labcorp
Classification: Uncertain significance for Ehlers-Danlos syndrome, kyphoscoliotic type 1. Last evaluated: 2022-11-04. Review status: criteria provided, single submitter. Criteria: Invitae Variant Classification Sherloc (09022015). Collection method: clinical testing. Allele origin: germline.
Comment: This sequence change replaces glycine, which is neutral and non-polar, with arginine, which is basic and polar, at codon 159 of the PLOD1 protein (p.Gly159Arg). This variant is not present in population databases (gnomAD no frequency). This variant has not been reported in the literature in individuals affected with PLOD1-related conditions. Advanced modeling of protein sequence and biophysical properties (such as structural, functional, and spatial information, amino acid conservation, physicochemical variation, residue mobility, and thermodynamic stability) performed at Invitae indicates that this missense variant is expected to disrupt PLOD1 protein function. In summary, the available evidence is currently insufficient to determine the role of this variant in disease. Therefore, it has been classified as a Variant of Uncertain Significance.